The following is an entry in ClinVar:

NM_033026.6(PCLO):c.2845G>A (p.Ala949Thr)

Gene: PCLO (piccolo presynaptic cytomatrix protein; minus strand). Cytogenetic location: 7q21.11.
Variant type: single nucleotide variant.
Coding change: c.2845G>A on transcript NM_033026.6 (MANE Select); coding-DNA position 2845, G replaced by A.
Protein change: p.Ala949Thr; replaces alanine 949 with threonine.
Molecular consequence: missense variant.
Genome position (GRCh38, 1-based): chr7:83,134,705, C>T on the plus strand (G>A on the coding strand, the complement: PCLO is on the minus strand). VCF-style: chr7-83134705-C-T. GRCh37 (hg19) VCF-style: chr7-82764021-C-T.
Other names: c.2845G>A, p.Ala949Thr (NM_014510.3); short protein forms A949T.
Identifiers: ClinVar variation 1361024 (VCV001361024.6), dbSNP rs554897786, ClinGen allele CA367898599.
Genomic context (GRCh38, chr7:83,134,705, plus strand): 5'-CAGGGGCTTGTTTCATTGGGGCCCCTGGTCCACTTTGTGAATGAGGTCCAGGTTGGCCTG[C>T]AGTGGAAATTAAATTTGATGCCTGGCTGAAGATTGATGCTCCAAACCCAAAGAGTTTCCC-3'
Protein context (NP_149015.2, residues 939-959): FSQASNLIST[Ala949Thr]GQPGPHSQSG

ClinVar aggregate classification (germline): Uncertain significance (1 of 4 stars; one submission).

Submission:

Labcorp Genetics (formerly Invitae), Labcorp
Classification: Uncertain significance. Last evaluated: 2021-10-21. Review status: criteria provided, single submitter. Criteria: Invitae Variant Classification Sherloc (09022015). Collection method: clinical testing. Allele origin: germline.
Comment: This sequence change replaces alanine with threonine at codon 949 of the PCLO protein (p.Ala949Thr). The alanine residue is moderately conserved and there is a small physicochemical difference between alanine and threonine. This variant is not present in population databases (ExAC no frequency). This variant has not been reported in the literature in individuals affected with PCLO-related conditions. Algorithms developed to predict the effect of missense changes on protein structure and function are either unavailable or do not agree on the potential impact of this missense change (SIFT: "Deleterious"; PolyPhen-2: "Not Available"; Align-GVGD: "Class C0"). In summary, the available evidence is currently insufficient to determine the role of this variant in disease. Therefore, it has been classified as a Variant of Uncertain Significance.